The following is an entry in ClinVar:

ClinVar aggregate classification (germline): Uncertain significance. Review status: criteria provided, multiple submitters, no conflicts (2 of 4 stars). 3 submissions from 3 submitters: Uncertain significance (3). Last evaluated 2025-09-21.

Conditions:
Progressive familial heart block type IB (PFHB1B). Identifiers: Orphanet 871, MedGen C1970298, MONDO:0011474, OMIM 604559.
Erythrokeratodermia variabilis et progressiva 6. Identifiers: MedGen C5193144, MONDO:0032801, OMIM 618531.
Cardiovascular phenotype. Identifiers: MedGen CN230736.

Allele frequency attached by ClinVar (database versions not stated): gnomAD exomes 0.00001 and 0.00002; TOPMed 0.00001; gnomAD 0.00002; ExAC 0.00003; ESP Exome Variant Server 0.00008.
gnomAD v4.1: 32 of 1,613,800 alleles (0.002%); highest among the groups gnomAD compares: Middle Eastern, 0.016%; no homozygotes.

Submissions (3):

Ambry Genetics
Classification: Uncertain significance for Cardiovascular phenotype. Last evaluated: 2025-09-21. Review status: criteria provided, single submitter. Criteria: Ambry Variant Classification Scheme 2023. Collection method: clinical testing. Allele origin: germline.

Labcorp Genetics (formerly Invitae), Labcorp
Classification: Uncertain significance for Progressive familial heart block type IB. Last evaluated: 2025-05-21. Review status: criteria provided, single submitter. Criteria: Invitae Variant Classification Sherloc (09022015). Collection method: clinical testing. Allele origin: germline.
Comment: This sequence change replaces alanine, which is neutral and non-polar, with valine, which is neutral and non-polar, at codon 312 of the TRPM4 protein (p.Ala312Val). This variant is present in population databases (rs138095759, gnomAD 0.004%). This variant has not been reported in the literature in individuals affected with TRPM4-related conditions. ClinVar contains an entry for this variant (Variation ID: 577866). An algorithm developed to predict the effect of missense changes on protein structure and function outputs the following: PolyPhen-2: "Benign". The valine amino acid residue is found in multiple mammalian species, which suggests that this missense change does not adversely affect protein function. In summary, the available evidence is currently insufficient to determine the role of this variant in disease. Therefore, it has been classified as a Variant of Uncertain Significance.

Fulgent Genetics
Classification: Uncertain significance for Progressive familial heart block type IB; Erythrokeratodermia variabilis et progressiva 6. Last evaluated: 2021-08-09. Review status: criteria provided, single submitter. Criteria: ACMG Guidelines, 2015. Collection method: clinical testing. Allele origin: unknown.

NM_017636.4(TRPM4):c.935C>T (p.Ala312Val)

Gene: TRPM4 (transient receptor potential cation channel subfamily M member 4; plus strand). Cytogenetic location: 19q13.33.
Variant type: single nucleotide variant.
Coding change: c.935C>T on transcript NM_017636.4 (MANE Select); coding-DNA position 935, C replaced by T.
Protein change: p.Ala312Val; replaces alanine 312 with valine.
Molecular consequence: missense variant. On other transcripts: 5 prime UTR variant (1).
Genome position (GRCh38, 1-based): chr19:49,171,654, C>T. VCF-style: chr19-49171654-C-T. GRCh37 (hg19) VCF-style: chr19-49674911-C-T.
Other names: c.935C>T, p.Ala312Val (NM_001195227.2); c.590C>T, p.Ala197Val (NM_001321281.2); c.-619C>T (NM_001321282.2); c.413C>T, p.Ala138Val (NM_001321283.2); c.86C>T, p.Ala29Val (NM_001321285.2); short protein forms A312V, A29V, A138V, A197V.
Identifiers: ClinVar variation 577866 (VCV000577866.15), dbSNP rs138095759, ClinGen allele CA9569019.